The following is an entry in ClinVar:

ClinVar aggregate classification (germline): Likely pathogenic (1 of 4 stars; one submission).

Conditions:
MPI-congenital disorder of glycosylation. Also called: MPI DEFICIENCY; MANNOSEPHOSPHATE ISOMERASE DEFICIENCY; PROTEIN-LOSING ENTEROPATHY-HEPATIC FIBROSIS SYNDROME; CONGENITAL DISORDER OF GLYCOSYLATION, TYPE Ib; CDG Ib; MPI-CDG. Identifiers: Orphanet 79319, MedGen C1865145, MONDO:0011257, OMIM 602579.

gnomAD v4.1: 1 of 1,608,264 alleles (0.000062%); highest among the groups gnomAD compares: Non-Finnish European, 0.000085%; no homozygotes.

Submission:

Juno Genomics, Hangzhou Juno Genomics, Inc
Classification: Likely pathogenic for MPI-congenital disorder of glycosylation. Review status: criteria provided, single submitter. Criteria: ACMG Guidelines, 2015. Collection method: clinical testing. Allele origin: germline.
Comment: Absent from controls (or at extremely low frequency if recessive) in Genome Aggregation Database.;Null variant in a gene where loss of function (LOF) is a known mechanism of disease.

NM_002435.3(MPI):c.16+2T>G

Gene: MPI (mannose phosphate isomerase; plus strand). Cytogenetic location: 15q24.1.
Variant type: single nucleotide variant.
Coding change: c.16+2T>G on transcript NM_002435.3 (MANE Select); the canonical splice donor site of the intron after coding-DNA position 16, T replaced by G.
Molecular consequence: splice donor variant.
Genome position (GRCh38, 1-based): chr15:74,890,091, T>G. VCF-style: chr15-74890091-T-G. GRCh37 (hg19) VCF-style: chr15-75182432-T-G.
Other names: c.-134+2T>G (NM_001330372.2); c.16+2T>G (NM_001289155.2, NM_001289157.2); c.-7+2T>G (NM_001289156.2).
Identifiers: ClinVar variation 5019676 (VCV005019676.2).